The following is an entry in ClinVar:

ClinVar aggregate classification (germline): Likely pathogenic. Review status: criteria provided, multiple submitters, no conflicts (2 of 4 stars). 2 submissions from 2 submitters: Likely pathogenic (2). Last evaluated 2023-09-01.

Conditions:
NOTCH3-related disorder. Also called: NOTCH3-related condition; NOTCH3-related disorders.

Submissions (2):

Blueprint Genetics
Classification: Likely pathogenic for NOTCH3-related disorders. Last evaluated: 2023-09-01. Review status: criteria provided, single submitter. Criteria: ACMG Guidelines, 2015. Collection method: clinical testing. Allele origin: germline. Affected: yes. Observed: 1 variant allele.

GeneDx
Classification: Likely pathogenic. Last evaluated: 2018-02-02. Review status: criteria provided, single submitter. Criteria: GeneDx Variant Classification (06012015). Collection method: clinical testing. Allele origin: germline. Affected: yes.
Comment: A variant that is likely pathogenic has been identified in the NOTCH3 gene. The c.6692delC variant has not been published as a pathogenic variant, nor has it been reported as a benign variant to our knowledge. The c.6692delC variant causes a frameshift starting with codon Proline 2231, changes this amino acid to a Glutamine residue, and creates a premature Stop codon at position 15 of the new reading frame, denoted p.Pro2231GlnfsX15. This variant is predicted to cause loss of normal protein function through protein truncation, as the last 91 amino acids are replaced with 14 incorrect amino acids. The c.6692delC variant is not observed in large population cohorts (Lek et al., 2016). Therefore, this variant is likely pathogenic; however, the possibility that it is benign cannot be excluded.

NM_000435.3(NOTCH3):c.6692del (p.Pro2231fs)

Gene: NOTCH3 (notch receptor 3; minus strand). Cytogenetic location: 19p13.12.
Variant type: Deletion.
Coding change: c.6692del on transcript NM_000435.3 (MANE Select); coding-DNA position 6692, one base deleted (C; older notation c.6692delC).
Protein change: p.Pro2231fs; shifts the reading frame from proline 2231.
Molecular consequence: frameshift variant.
Genome position (GRCh38, 1-based): chr19:15,160,936, G deleted on the plus strand (C on the coding strand, the reverse complement: NOTCH3 is on the minus strand); the first of 6 consecutive G bases (chr19:15,160,936-15,160,941); deleting any one gives the same sequence. VCF-style (leftmost placement, unchanged base first): chr19-15160935-TG-T. GRCh37 (hg19) VCF-style: chr19-15271746-TG-T.
Other names: short protein forms P2231fs.
Identifiers: ClinVar variation 504302 (VCV000504302.3), dbSNP rs773656789, ClinGen allele CA658799171.